The following is an entry in ClinVar:

NM_007294.4(BRCA1):c.63C>G (p.Ile21Met)

Gene: BRCA1 (BRCA1 DNA repair associated; minus strand). Cytogenetic location: 17q21.31.
Variant type: single nucleotide variant.
Coding change: c.63C>G on transcript NM_007294.4 (MANE Select); coding-DNA position 63, C replaced by G.
Protein change: p.Ile21Met; replaces isoleucine 21 with methionine.
Molecular consequence: missense variant. On other transcripts: 5 prime UTR variant (1), non-coding transcript variant (1).
Genome position (GRCh38, 1-based): chr17:43,124,034, G>C on the plus strand (C>G on the coding strand, the complement: BRCA1 is on the minus strand). VCF-style: chr17-43124034-G-C. GRCh37 (hg19) VCF-style: chr17-41276051-G-C.
Other names: c.-25C>G (NM_001408461.1, NM_001408464.1, NM_001408467.1 and 23 more transcripts); c.-198C>G (NM_001408462.1, NM_001408463.1, NM_001408466.1 and 22 more transcripts); c.-199C>G (NM_001408465.1, NM_001407695.1); c.-195C>G (NM_001408468.1, NM_001408501.1, NM_001407694.1 and 11 more transcripts); c.63C>G, p.Ile21Met (NM_001408472.1, NM_001408473.1, NM_001408474.1 and 193 more transcripts); c.-126C>G (NM_001408478.1, NM_001408479.1, NM_001408480.1 and 46 more transcripts); c.-271C>G (NM_001408482.1); c.-242C>G (NM_001408492.1, NM_001407889.1); and 8 more; short protein forms I21M.
Identifiers: ClinVar variation 865054 (VCV000865054.10), dbSNP rs1555600921, ClinGen allele CA10602029.
Genomic context (GRCh38, chr17:43,124,034, plus strand): 5'-AATCATAGGAATCCCAAATTAATACACTCTTGTGCTGACTTACCAGATGGGACACTCTAA[G>C]ATTTTCTGCATAGCATTAATGACATTTTGTACTTCTTCAACGCGAAGAGCAGATAAATCC-3'
Protein context (NP_009225.1, residues 11-31): VQNVINAMQK[Ile21Met]LECPICLELI

ClinVar aggregate classification (germline): Conflicting classifications of pathogenicity. Review status: criteria provided, conflicting classifications (1 of 4 stars). 2 submissions from 2 submitters: Uncertain significance (1); Likely benign (1). Last evaluated 2024-07-31.

Conditions:
Hereditary cancer-predisposing syndrome. Also called: Tumor predisposition; Hereditary Cancer Syndrome; Hereditary neoplastic syndrome; Neoplastic Syndromes, Hereditary. Identifiers: Orphanet 140162, MedGen C0027672, MeSH D009386, MONDO:0015356.
Hereditary breast ovarian cancer syndrome. Also called: Hereditary breast and/or ovarian cancer syndrome; BRCA1- and BRCA2-Associated Hereditary Breast and Ovarian Cancer; Hereditary breast and ovarian cancer syndrome; Hereditary breast and ovarian cancer; Hereditary breast and ovarian cancer syndrome (HBOC); Breast and ovarian cancer. Identifiers: Orphanet 145, MedGen C0677776, MeSH D061325, MONDO:0003582. Disease mechanism: loss of function.

Submissions (3):

Ambry Genetics
Classification: Likely benign for Hereditary cancer-predisposing syndrome. Last evaluated: 2024-07-31. Review status: criteria provided, single submitter. Criteria: Ambry Variant Classification Scheme 2023. Collection method: clinical testing. Allele origin: germline.

Labcorp Genetics (formerly Invitae), Labcorp
Classification: Uncertain significance for Hereditary breast ovarian cancer syndrome. Last evaluated: 2023-09-22. Review status: criteria provided, single submitter. Criteria: Invitae Variant Classification Sherloc (09022015). Collection method: clinical testing. Allele origin: germline.
Comment: This sequence change replaces isoleucine, which is neutral and non-polar, with methionine, which is neutral and non-polar, at codon 21 of the BRCA1 protein (p.Ile21Met). This variant is not present in population databases (gnomAD no frequency). This variant has not been reported in the literature in individuals affected with BRCA1-related conditions. ClinVar contains an entry for this variant (Variation ID: 865054). Advanced modeling performed at Invitae incorporating data from internal and/or published experimental studies (PMID: 30209399) indicates that this missense variant is not expected to disrupt BRCA1 function. Experimental studies have shown that this missense change does not substantially affect BRCA1 function (PMID: 30209399). In summary, the available evidence is currently insufficient to determine the role of this variant in disease. Therefore, it has been classified as a Variant of Uncertain Significance.

Brotman Baty Institute, University of Washington
No classification provided (evidence only). Condition: Breast-ovarian cancer, familial 1. Review status: no classification provided. Collection method: in vitro. Allele origin: not applicable. Functional consequence: functionally_normal. Not counted in ClinVar's aggregate classification.
ClinVar note: "not provided" was previously submitted as the classification for the variant. However, the classification appeared to be based only on an observation of functional data so it was converted to no classification on 2025-07-30.

Literature cited by the submitters: PubMed 30209399 (cited by Labcorp Genetics (formerly Invitae), Labcorp).